The following is an entry in ClinVar:

NM_001025389.2(AMPD3):c.-103T>C

Gene: AMPD3 (adenosine monophosphate deaminase 3; plus strand). Cytogenetic location: 11p15.4.
Variant type: single nucleotide variant.
Coding change: c.-103T>C on transcript NM_001025389.2 (MANE Select); 103 bases upstream of the start codon, T replaced by C.
Molecular consequence: 5 prime UTR variant. On other transcripts: intron variant (2).
Genome position (GRCh38, 1-based): chr11:10,455,351, T>C. VCF-style: chr11-10455351-T-C. GRCh37 (hg19) VCF-style: chr11-10476898-T-C.
Other names: c.-278+4836T>C (NM_001172431.2); c.22+4308T>C (NM_000480.3).
Identifiers: ClinVar variation 302142 (VCV000302142.6), dbSNP rs899011, ClinGen allele CA10637372.

ClinVar aggregate classification (germline): Benign. Review status: criteria provided, multiple submitters, no conflicts (2 of 4 stars). 2 submissions from 2 submitters: Benign (2). Last evaluated 2018-01-12.

Conditions:
Erythrocyte AMP deaminase deficiency. Identifiers: Orphanet 45, MedGen C2752073, OMIM 612874, MONDO:0020734.

Allele frequency attached by ClinVar (database versions not stated): gnomAD 0.72535 and 0.72968; TOPMed 0.73491; gnomAD exomes 0.71146; 1000 Genomes Project 0.71765; 1000 Genomes Project 30x 0.71846.
gnomAD v4.1: 702,890 of 985,192 alleles (71%); highest among the groups gnomAD compares: East Asian, 78%; 251,293 homozygotes.

Submissions (2):

Illumina Laboratory Services, Illumina
Classification: Benign for Erythrocyte AMP deaminase deficiency. Last evaluated: 2018-01-12. Review status: criteria provided, single submitter. Criteria: ICSL Variant Classification Criteria 13 December 2019. Collection method: clinical testing. Allele origin: germline.
Comment: This variant was observed in the ICSL laboratory as part of a predisposition screen in an ostensibly healthy population. It had not been previously curated by ICSL or reported in the Human Gene Mutation Database (HGMD: prior to June 1st, 2018), and was therefore a candidate for classification through an automated scoring system. Utilizing variant allele frequency, disease prevalence and penetrance estimates, and inheritance mode, an automated score was calculated to assess if this variant is too frequent to cause the disease. Based on the score and internal cut-off values, a variant classified as benign is not then subjected to further curation. The score for this variant resulted in a classification of benign for this disease.

Breakthrough Genomics
Classification: Benign. Review status: criteria provided, single submitter. Criteria: ACMG Guidelines, 2015. Collection method: not provided. Allele origin: germline. Inheritance: Autosomal recessive inheritance. Affected: yes.